The following is an entry in ClinVar:

NM_001283009.2(RTEL1):c.3500-6C>G

Genes: RTEL1 (regulator of telomere elongation helicase 1; plus strand), RTEL1-TNFRSF6B (RTEL1-TNFRSF6B readthrough (NMD candidate); plus strand). Cytogenetic location: 20q13.33.
Variant type: single nucleotide variant.
Coding change: c.3500-6C>G on transcript NM_001283009.2 (MANE Select); 6 bases into the intron before coding-DNA position 3500, C replaced by G.
Molecular consequence: intron variant.
Genome position (GRCh38, 1-based): chr20:63,695,322, C>G. VCF-style: chr20-63695322-C-G. GRCh37 (hg19) VCF-style: chr20-62326675-C-G.
Other names: c.2831-6C>G (NM_001283010.1); c.3572-6C>G (NM_032957.5); c.3500-6C>G (NM_016434.4).
Identifiers: ClinVar variation 5001517 (VCV005001517.1).

ClinVar aggregate classification (germline): Likely benign (1 of 4 stars; one submission).

Conditions:
RTEL1-related disorder. Also called: RTEL1-related disorders; RTEL1-related condition.

gnomAD v4.1: 5 of 1,565,610 alleles (0.00032%); highest among the groups gnomAD compares: African/African-American, 0.0054%; no homozygotes.

Submission:

PreventionGenetics, part of Exact Sciences
Classification: Likely benign for RTEL1-related condition. Last evaluated: 2025-06-23. Review status: criteria provided, single submitter. Criteria: ACMG Guidelines, 2015. Collection method: clinical testing. Allele origin: germline.
Comment: This variant is classified as likely benign based on ACMG/AMP sequence variant interpretation guidelines (Richards et al. 2015 PMID: 25741868, with internal and published modifications).